The following is an entry in ClinVar:

NM_001388303.1(HECTD4):c.9415G>A (p.Glu3139Lys)

Gene: HECTD4 (HECT domain E3 ubiquitin protein ligase 4; minus strand). Cytogenetic location: 12q24.13.
Variant type: single nucleotide variant.
Coding change: c.9415G>A on transcript NM_001388303.1 (MANE Select); coding-DNA position 9415, G replaced by A.
Protein change: p.Glu3139Lys; replaces glutamic acid 3139 with lysine.
Molecular consequence: missense variant.
Genome position (GRCh38, 1-based): chr12:112,190,843, C>T on the plus strand (G>A on the coding strand, the complement: HECTD4 is on the minus strand). VCF-style: chr12-112190843-C-T. GRCh37 (hg19) VCF-style: chr12-112628647-C-T.
Other names: c.9445G>A, p.Glu3149Lys (NM_001109662.4); short protein forms E3149K, E3139K.
Identifiers: ClinVar variation 2234899 (VCV002234899.5), dbSNP rs200538065, ClinGen allele CA6796388.

ClinVar aggregate classification (germline): Uncertain significance. Review status: criteria provided, multiple submitters, no conflicts (2 of 4 stars). 2 submissions from 2 submitters: Uncertain significance (2). Last evaluated 2025-08-12.

Allele frequency attached by ClinVar (database versions not stated): gnomAD 0.00015; ESP Exome Variant Server 0.00016; TOPMed 0.00015; ExAC 0.00033; gnomAD exomes 0.00011.
gnomAD v4.1: 174 of 1,586,620 alleles (0.011%); highest among the groups gnomAD compares: Non-Finnish European, 0.013%; no homozygotes.

Submissions (2):

Dasa
Classification: Uncertain significance. Last evaluated: 2025-08-12. Review status: criteria provided, single submitter. Criteria: DASA Assertion Criteria. Collection method: clinical testing. Allele origin: germline.
Comment: NM_001388303.1(HECTD4):c.9415G>A (p.Glu3139Lys) is a missense variant that results in the substitution of glutamic acid with lysine. This variant is rare in population databases. Computational prediction algorithms are consistent with a benign effect. The currently available literature and clinical evidence are not sufficient to establish a definitive association between this variant and the reported condition. Therefore, this variant is classified as a variant of uncertain significance.

Ambry Genetics
Classification: Uncertain significance. Last evaluated: 2024-07-26. Review status: criteria provided, single submitter. Criteria: Ambry Variant Classification Scheme 2023. Collection method: clinical testing. Allele origin: germline.